The following is an entry in ClinVar:

ClinVar aggregate classification (germline): Uncertain significance (1 of 4 stars; one submission).

Allele frequency attached by ClinVar (database versions not stated): gnomAD exomes below 0.00001.
gnomAD v4.1: 2 of 1,609,462 alleles (0.00012%); highest among the groups gnomAD compares: South Asian, 0.0011%; no homozygotes.

Submission:

Labcorp Genetics (formerly Invitae), Labcorp
Classification: Uncertain significance. Last evaluated: 2022-03-29. Review status: criteria provided, single submitter. Criteria: Invitae Variant Classification Sherloc (09022015). Collection method: clinical testing. Allele origin: germline.
Comment: This variant is not present in population databases (gnomAD no frequency). This variant has not been reported in the literature in individuals affected with GORAB-related conditions. This sequence change replaces alanine, which is neutral and non-polar, with threonine, which is neutral and polar, at codon 197 of the GORAB protein (p.Ala197Thr). Algorithms developed to predict the effect of missense changes on protein structure and function are either unavailable or do not agree on the potential impact of this missense change (SIFT: "Deleterious"; PolyPhen-2: "Probably Damaging"; Align-GVGD: "Class C0"). In summary, the available evidence is currently insufficient to determine the role of this variant in disease. Therefore, it has been classified as a Variant of Uncertain Significance.

NM_152281.3(GORAB):c.514G>A (p.Ala172Thr)

Gene: GORAB (golgin, RAB6 interacting; plus strand). Cytogenetic location: 1q24.2.
Variant type: single nucleotide variant.
Coding change: c.514G>A on transcript NM_152281.3 (MANE Select); coding-DNA position 514, G replaced by A.
Protein change: p.Ala172Thr; replaces alanine 172 with threonine.
Molecular consequence: missense variant. On other transcripts: non-coding transcript variant (1).
Genome position (GRCh38, 1-based): chr1:170,542,585, G>A. VCF-style: chr1-170542585-G-A. GRCh37 (hg19) VCF-style: chr1-170511726-G-A.
Other names: c.514G>A, p.Ala172Thr (NM_001146039.2); c.49G>A, p.Ala17Thr (NM_001320252.2); c.463G>A, p.Ala155Thr (NM_001410894.1); short protein forms A172T, A155T, A17T.
Identifiers: ClinVar variation 2119596 (VCV002119596.4), dbSNP rs2525941595, ClinGen allele CA343163708.